The following is an entry in ClinVar:

ClinVar aggregate classification (germline): Uncertain significance (0 of 4 stars; one submission).

Conditions:
VPS13B-related disorder. Also called: VPS13B-related condition.

gnomAD v4.1: 1 of 615,026 alleles (0.00016%); highest among the groups gnomAD compares: Non-Finnish European, 0.00022%; no homozygotes.

Submission:

PreventionGenetics, part of Exact Sciences
Classification: Uncertain significance for VPS13B-related condition. Last evaluated: 2023-11-07. Review status: no assertion criteria provided. Collection method: clinical testing. Allele origin: germline.
Comment: The VPS13B c.2570A>T variant is predicted to result in the amino acid substitution p.Asp857Val. To our knowledge, this variant has not been reported in the literature or in a large population database, indicating this variant is rare. At this time, the clinical significance of this variant is uncertain due to the absence of conclusive functional and genetic evidence.

NM_152564.5(VPS13B):c.2515+16589A>T

Gene: VPS13B (vacuolar protein sorting 13 homolog B; plus strand). Cytogenetic location: 8q22.2.
Variant type: single nucleotide variant.
Coding change: c.2515+16589A>T on transcript NM_152564.5 (MANE Select); 16589 bases into the intron after coding-DNA position 2515, A replaced by T.
Molecular consequence: intron variant. On other transcripts: missense variant (1).
Genome position (GRCh38, 1-based): chr8:99,209,646, A>T. VCF-style: chr8-99209646-A-T. GRCh37 (hg19) VCF-style: chr8-100221874-A-T.
Other names: c.2570A>T, p.Asp857Val (NM_015243.3); c.2515+16589A>T (NM_017890.5); short protein forms D857V.
Identifiers: ClinVar variation 3349496 (VCV003349496.1).
Genomic context (GRCh38, chr8:99,209,646, plus strand): 5'-TTGTAGAGATTGGGTCTTGCTATGTTGCCCAGGTTGATCTTGAACTCCTGGCCTCAAATG[A>T]TCCTCCCACCTCAACCTCCTGAAGTGCCGGGATTGGAGGCCCAAGCCACTGTGCCTGGCC-3'